The following is an entry in ClinVar:

NM_000179.3(MSH6):c.2829_2830insTTAT (p.Ile944fs)

Gene: MSH6 (mutS homolog 6; plus strand). Cytogenetic location: 2p16.3.
Variant type: Insertion.
Coding change: c.2829_2830insTTAT on transcript NM_000179.3 (MANE Select); coding-DNA positions 2829 to 2830, TTAT inserted.
Protein change: p.Ile944fs; shifts the reading frame from isoleucine 944.
Molecular consequence: frameshift variant. On other transcripts: non-coding transcript variant (5), intron variant (2).
Genome position: GRCh38 VCF-style: chr2-47800812-C-CTTAT. GRCh37 (hg19) VCF-style: chr2-48027951-C-CTTAT.
Other names: c.2439_2440insTTAT, p.Ile814fs (NM_001281492.2); c.1923_1924insTTAT, p.Ile642fs (NM_001281493.2, NM_001281494.2, NM_001406811.1 and 6 more transcripts); c.2925_2926insTTAT, p.Ile976fs (NM_001406795.1, NM_001406802.1); c.2829_2830insTTAT, p.Ile944fs (NM_001406796.1, NM_001406798.1, NM_001406800.1 and 2 more transcripts); c.2532_2533insTTAT, p.Ile845fs (NM_001406797.1, NM_001406801.1, NM_001406805.1 and 10 more transcripts); c.2304_2305insTTAT, p.Ile769fs (NM_001406799.1, NM_001406806.1, NM_001406807.1); c.2751_2752insTTAT, p.Ile918fs (NM_001406804.1); c.2835_2836insTTAT, p.Ile946fs (NM_001406813.1); and 4 more; short protein forms I845fs, I769fs, I814fs, I888fs, I946fs, I259fs, I918fs, I944fs.
Identifiers: ClinVar variation 3663387 (VCV003663387.2).

ClinVar aggregate classification (germline): Pathogenic (1 of 4 stars; one submission).

Conditions:
Hereditary nonpolyposis colorectal neoplasms. Identifiers: MedGen C0009405, MeSH D003123.

Submission:

Labcorp Genetics (formerly Invitae), Labcorp
Classification: Pathogenic for Hereditary nonpolyposis colorectal neoplasms. Last evaluated: 2024-08-24. Review status: criteria provided, single submitter. Criteria: Invitae Variant Classification Sherloc (09022015). Collection method: clinical testing. Allele origin: germline.
Comment: This sequence change creates a premature translational stop signal (p.Ile944Leufs*6) in the MSH6 gene. It is expected to result in an absent or disrupted protein product. Loss-of-function variants in MSH6 are known to be pathogenic (PMID: 18269114, 24362816). This variant is not present in population databases (gnomAD no frequency). This variant has not been reported in the literature in individuals affected with MSH6-related conditions. For these reasons, this variant has been classified as Pathogenic.

Literature cited by the submitters: PubMed 18269114; PubMed 24362816.